The following is an entry in ClinVar:

ClinVar aggregate classification (germline): Pathogenic (1 of 4 stars; one submission).

Submission:

GeneDx
Classification: Pathogenic. Last evaluated: 2019-03-12. Review status: criteria provided, single submitter. Criteria: GeneDx Variant Classification (06012015). Collection method: clinical testing. Allele origin: germline. Affected: yes.
Comment: The c.375dupA variant in the POGZ gene has not been reported previously as a pathogenic variant nor as a benign variant, to our knowledge. The c.375dupA variant causes a frameshift starting with codon Leucine 126, changes this amino acid to an Isoleucine residue, and creates a premature Stop codon at position 15 of the new reading frame, denoted p.Leu126IlefsX15. This variant is predicted to cause loss of normal protein function either through protein truncation or nonsense-mediated mRNA decay. The c.375dupA variant is not observed in large population cohorts (Lek et al., 2016). We interpret c.375dupA as a pathogenic variant.

NM_015100.4(POGZ):c.375dup (p.Leu126fs)

Gene: POGZ (pogo transposable element derived with ZNF domain; minus strand). Cytogenetic location: 1q21.3.
Variant type: Duplication.
Coding change: c.375dup on transcript NM_015100.4 (MANE Select); coding-DNA position 375, one base duplicated (A; older notation c.375dupA).
Protein change: p.Leu126fs; shifts the reading frame from leucine 126.
Molecular consequence: frameshift variant. On other transcripts: intron variant (1).
Genome position (GRCh38, 1-based): chr1:151,430,750, T duplicated on the plus strand (A on the coding strand, the reverse complement: POGZ is on the minus strand). VCF-style (leftmost placement, unchanged base first): chr1-151430749-A-AT. GRCh37 (hg19) VCF-style: chr1-151403225-A-AT.
Other names: c.375dup, p.Leu126fs (NM_001194937.2); c.216dup, p.Leu73fs (NM_001194938.2, NM_207171.2); c.284-2337dup (NM_145796.4); short protein forms L126fs, L73fs.
Identifiers: ClinVar variation 818061 (VCV000818061.1), dbSNP rs1571470447, ClinGen allele CA915941423.